The following is an entry in ClinVar:

NM_006904.7(PRKDC):c.1630A>G (p.Ile544Val)

Gene: PRKDC (protein kinase, DNA-activated, catalytic subunit; minus strand). Cytogenetic location: 8q11.21.
Variant type: single nucleotide variant.
Coding change: c.1630A>G on transcript NM_006904.7 (MANE Select); coding-DNA position 1630, A replaced by G.
Protein change: p.Ile544Val; replaces isoleucine 544 with valine.
Molecular consequence: missense variant.
Genome position (GRCh38, 1-based): chr8:47,933,166, T>C on the plus strand (A>G on the coding strand, the complement: PRKDC is on the minus strand). VCF-style: chr8-47933166-T-C. GRCh37 (hg19) VCF-style: chr8-48845726-T-C.
Other names: c.1630A>G, p.Ile544Val (NM_001081640.2); short protein forms I544V.
Identifiers: ClinVar variation 642732 (VCV000642732.9), dbSNP rs756082781, ClinGen allele CA4741670.

ClinVar aggregate classification (germline): Uncertain significance. Review status: criteria provided, multiple submitters, no conflicts (2 of 4 stars). 2 submissions from 2 submitters: Uncertain significance (2). Last evaluated 2024-06-25.

Conditions:
Severe combined immunodeficiency due to DNA-PKcs deficiency. Also called: IMMUNODEFICIENCY 26 WITH NEUROLOGIC ABNORMALITIES; Immunodeficiency 26 with or without neurologic abnormalities. Identifiers: Orphanet 317425, MedGen C4014833, MONDO:0014423, OMIM 615966.

Allele frequency attached by ClinVar (database versions not stated): gnomAD 0.00004; TOPMed 0.00005; gnomAD exomes 0.00012; ExAC 0.00023.
gnomAD v4.1: 152 of 1,507,470 alleles (0.01%); highest among the groups gnomAD compares: South Asian, 0.061%; 1 homozygote.

Submissions (2):

Ambry Genetics
Classification: Uncertain significance. Last evaluated: 2024-06-25. Review status: criteria provided, single submitter. Criteria: Ambry Variant Classification Scheme 2023. Collection method: clinical testing. Allele origin: germline.

Labcorp Genetics (formerly Invitae), Labcorp
Classification: Uncertain significance for Severe combined immunodeficiency due to DNA-PKcs deficiency. Last evaluated: 2022-07-06. Review status: criteria provided, single submitter. Criteria: Invitae Variant Classification Sherloc (09022015). Collection method: clinical testing. Allele origin: germline.
Comment: This sequence change replaces isoleucine, which is neutral and non-polar, with valine, which is neutral and non-polar, at codon 544 of the PRKDC protein (p.Ile544Val). This variant is present in population databases (rs756082781, gnomAD 0.07%). This variant has not been reported in the literature in individuals affected with PRKDC-related conditions. ClinVar contains an entry for this variant (Variation ID: 642732). Algorithms developed to predict the effect of missense changes on protein structure and function output the following: SIFT: "Not Available"; PolyPhen-2: "Not Available"; Align-GVGD: "Not Available". The valine amino acid residue is found in multiple mammalian species, which suggests that this missense change does not adversely affect protein function. In summary, the available evidence is currently insufficient to determine the role of this variant in disease. Therefore, it has been classified as a Variant of Uncertain Significance.